The following is an entry in ClinVar:

NM_003737.4(DCHS1):c.1466G>A (p.Gly489Asp)

Gene: DCHS1 (dachsous cadherin-related 1; minus strand). Cytogenetic location: 11p15.4.
Variant type: single nucleotide variant.
Coding change: c.1466G>A on transcript NM_003737.4 (MANE Select); coding-DNA position 1466, G replaced by A.
Protein change: p.Gly489Asp; replaces glycine 489 with aspartic acid.
Molecular consequence: missense variant.
Genome position (GRCh38, 1-based): chr11:6,640,148, C>T on the plus strand (G>A on the coding strand, the complement: DCHS1 is on the minus strand). VCF-style: chr11-6640148-C-T. GRCh37 (hg19) VCF-style: chr11-6661379-C-T.
Other names: short protein forms G489D.
Identifiers: ClinVar variation 4753518 (VCV004753518.1).
Genomic context (GRCh38, chr11:6,640,148, plus strand): 5'-GTGACCTGACCATTGGTGCCTTGGTCAGGATCCCGAGCAGTCACCCGCACTACAAAGCTG[C>T]CAGGCAGCGCAACCTCAGGCAGGGGCTCAGGTCGGTAGAGCTGGCGGTCAAAGGCAGGTG-3'
Protein context (NP_003728.1, residues 479-499): PEPLPEVALP[Gly489Asp]SFVVRVTARD

ClinVar aggregate classification (germline): Uncertain significance (1 of 4 stars; one submission).

gnomAD v4.1: 10 of 1,613,612 alleles (0.00062%); no homozygotes.

Submission:

Labcorp Genetics (formerly Invitae), Labcorp
Classification: Uncertain significance. Last evaluated: 2025-07-27. Review status: criteria provided, single submitter. Criteria: Invitae Variant Classification Sherloc (09022015). Collection method: clinical testing. Allele origin: germline.
Comment: This sequence change replaces glycine, which is neutral and non-polar, with aspartic acid, which is acidic and polar, at codon 489 of the DCHS1 protein (p.Gly489Asp). This variant is present in population databases (rs375936378, gnomAD 0.06%). This variant has not been reported in the literature in individuals affected with DCHS1-related conditions. Invitae Evidence Modeling of protein sequence and biophysical properties (such as structural, functional, and spatial information, amino acid conservation, physicochemical variation, residue mobility, and thermodynamic stability) indicates that this missense variant is expected to disrupt DCHS1 protein function with a positive predictive value of 80%. In summary, the available evidence is currently insufficient to determine the role of this variant in disease. Therefore, it has been classified as a Variant of Uncertain Significance.